The following is an entry in ClinVar:

NM_000071.3(CBS):c.856A>G (p.Ile286Val)

Gene: CBS (cystathionine beta-synthase; minus strand). Cytogenetic location: 21q22.3.
Variant type: single nucleotide variant.
Coding change: c.856A>G on transcript NM_000071.3 (MANE Select); coding-DNA position 856, A replaced by G.
Protein change: p.Ile286Val; replaces isoleucine 286 with valine.
Molecular consequence: missense variant.
Genome position (GRCh38, 1-based): chr21:43,063,051, T>C on the plus strand (A>G on the coding strand, the complement: CBS is on the minus strand). VCF-style: chr21-43063051-T-C. GRCh37 (hg19) VCF-style: chr21-44483161-T-C.
Other names: p.I286V:ATC>GTC; c.856A>G, p.Ile286Val (NM_001178008.3, NM_001178009.3, NM_001320298.2); c.541A>G, p.Ile181Val (NM_001321072.1); short protein forms I286V, I181V.
Identifiers: ClinVar variation 212855 (VCV000212855.22), dbSNP rs147040567, ClinGen allele CA323231.
Genomic context (GRCh38, chr21:43,063,051, plus strand): 5'-TCCCTTCCACCTCGTAGGTTGTCTGCTCCGTCTGGTTCAGCTCCTCCGGCTCTGCGAGGA[T>C]GGACCCTTCGGGATCCACCCCAATGATCTGCAGAGGGCGCGGCTTCAGGGCTCAAGGCCA-3'
Protein context (NP_000062.1, residues 276-296): RIIGVDPEGS[Ile286Val]LAEPEELNQT

ClinVar aggregate classification (germline): Uncertain significance. Review status: criteria provided, multiple submitters, no conflicts (2 of 4 stars). 9 submissions from 9 submitters: Uncertain significance (8). 1 of the submissions does not count toward it. Last evaluated 2025-07-07.

Conditions:
Familial thoracic aortic aneurysm and aortic dissection (TAAD). Also called: Thoracic aortic aneurysms and dissections. Identifiers: Orphanet 91387, MedGen C4707243, MONDO:0019625.
Classic homocystinuria. Also called: Homocystinuria due to CBS deficiency; Cystathionine beta-synthase deficiency; CBS deficiency; Homocystinuria due to Cystathionine Beta-Synthase Deficiency; HOMOCYSTINURIA WITH OR WITHOUT RESPONSE TO PYRIDOXINE. Identifiers: Orphanet 394, MedGen C0751202, MONDO:0009352, OMIM 236200.
HYPERHOMOCYSTEINEMIA, THROMBOTIC, CBS-RELATED. Identifiers: MedGen C3150344, OMIM 236200.

Allele frequency attached by ClinVar (database versions not stated): ExAC 0.00011; gnomAD exomes 0.00011; 1000 Genomes Project 0.00020; gnomAD 0.00020.

Submissions (9):

Ambry Genetics
Classification: Uncertain significance for Familial thoracic aortic aneurysm and aortic dissection. Last evaluated: 2025-07-07. Review status: criteria provided, single submitter. Criteria: Ambry Variant Classification Scheme 2023. Collection method: clinical testing. Allele origin: germline.
Comment: The p.I286V variant (also known as c.856A>G), located in coding exon 8 of the CBS gene, results from an A to G substitution at nucleotide position 856. The isoleucine at codon 286 is replaced by valine, an amino acid with highly similar properties. This amino acid position is well conserved in available vertebrate species. In addition, the in silico prediction for this alteration is inconclusive. Since supporting evidence is limited at this time, the clinical significance of this alteration remains unclear.

ARUP Laboratories, Molecular Genetics and Genomics, ARUP Laboratories
Classification: Uncertain significance. Last evaluated: 2025-03-05. Review status: criteria provided, single submitter. Criteria: ARUP Molecular Germline Variant Investigation Process 2024. Collection method: clinical testing. Allele origin: germline.
Comment: The CBS c.856A>G; p.Ile286Val variant (rs147040567), to our knowledge, is not reported in the medical literature but is reported in ClinVar (Variation ID: 212855). This variant is found in the non-Finnish European population with an allele frequency of 0.022% (27/120,340 alleles) in the Genome Aggregation Database (v2.1.1). Computational analyses are uncertain whether this variant is neutral or deleterious (REVEL: 0.359). Due to limited information, the clinical significance of this variant is uncertain at this time.

GeneDx
Classification: Uncertain significance. Last evaluated: 2024-06-17. Review status: criteria provided, single submitter. Criteria: GeneDx Variant Classification Process June 2021. Collection method: clinical testing. Allele origin: germline. Affected: yes.
Comment: In silico analysis indicates that this missense variant does not alter protein structure/function; Has not been previously published as pathogenic or benign to our knowledge

Labcorp Genetics (formerly Invitae), Labcorp
Classification: Uncertain significance for HYPERHOMOCYSTEINEMIA, THROMBOTIC, CBS-RELATED. Last evaluated: 2022-07-25. Review status: criteria provided, single submitter. Criteria: Invitae Variant Classification Sherloc (09022015). Collection method: clinical testing. Allele origin: germline.
Comment: This sequence change replaces isoleucine, which is neutral and non-polar, with valine, which is neutral and non-polar, at codon 286 of the CBS protein (p.Ile286Val). This variant is present in population databases (rs147040567, gnomAD 0.02%). This variant has not been reported in the literature in individuals affected with CBS-related conditions. ClinVar contains an entry for this variant (Variation ID: 212855). Algorithms developed to predict the effect of missense changes on protein structure and function (SIFT, PolyPhen-2, Align-GVGD) all suggest that this variant is likely to be tolerated. In summary, the available evidence is currently insufficient to determine the role of this variant in disease. Therefore, it has been classified as a Variant of Uncertain Significance.

Fulgent Genetics
Classification: Uncertain significance for Classic homocystinuria. Last evaluated: 2021-10-14. Review status: criteria provided, single submitter. Criteria: ACMG Guidelines, 2015. Collection method: clinical testing. Allele origin: unknown.

Eurofins Ntd Llc (ga)
Classification: Uncertain significance. Last evaluated: 2018-02-19. Review status: criteria provided, single submitter. Criteria: EGL ClinVar v180209 classification definitions. Collection method: clinical testing. Allele origin: germline. Observed: 1 variant allele, 1 heterozygote.

Geisinger Autism and Developmental Medicine Institute, Geisinger Health System
Classification: Uncertain significance for Classic homocystinuria. Last evaluated: 2017-10-06. Review status: criteria provided, single submitter. Criteria: ACMG Guidelines, 2015. Collection method: provider interpretation, clinical testing. Allele origin: maternal. Affected: no. Observed: 1 variant allele.
Comment: The p.Ile286Val variant is present in the gnomAD non-Finnish European population at a frequency of 0.02%. Computational models predict it to benign. Subsequent clinical testing showed normal plasma homocysteine and methionine levels.

Illumina Laboratory Services, Illumina
Classification: Uncertain significance for Classic homocystinuria. Last evaluated: 2017-04-28. Review status: criteria provided, single submitter. Criteria: ICSL Variant Classification Criteria 13 December 2019. Collection method: clinical testing. Allele origin: germline.

Natera, Inc.
Classification: Uncertain significance for Homocystinuria due to cystathionine beta-synthase deficiency. Last evaluated: 2020-09-16. Review status: no assertion criteria provided. Collection method: clinical testing. Allele origin: germline. Not counted in ClinVar's aggregate classification.